The following is an entry in ClinVar:

ClinVar aggregate classification (germline): Pathogenic (1 of 4 stars; one submission).

Submission:

Labcorp Genetics (formerly Invitae), Labcorp
Classification: Pathogenic. Last evaluated: 2023-03-07. Review status: criteria provided, single submitter. Criteria: Invitae Variant Classification Sherloc (09022015). Collection method: clinical testing. Allele origin: germline.
Comment: For these reasons, this variant has been classified as Pathogenic. This sequence change creates a premature translational stop signal (p.Trp2396*) in the USH2A gene. It is expected to result in an absent or disrupted protein product. Loss-of-function variants in USH2A are known to be pathogenic (PMID: 10729113, 10909849, 20507924, 25649381). This variant is not present in population databases (gnomAD no frequency). This premature translational stop signal has been observed in individual(s) with retinitis pigmentosa (PMID: 32188678).

Literature cited by the submitters: PubMed 10729113; PubMed 10909849; PubMed 20507924; PubMed 25649381; PubMed 32188678.

NM_206933.4(USH2A):c.7188G>A (p.Trp2396Ter)

Gene: USH2A (usherin; minus strand). Cytogenetic location: 1q41.
Variant type: single nucleotide variant.
Coding change: c.7188G>A on transcript NM_206933.4 (MANE Select); coding-DNA position 7188, G replaced by A.
Protein change: p.Trp2396Ter; replaces tryptophan 2396 with a stop codon.
Molecular consequence: nonsense.
Genome position (GRCh38, 1-based): chr1:215,934,728, C>T on the plus strand (G>A on the coding strand, the complement: USH2A is on the minus strand). VCF-style: chr1-215934728-C-T. GRCh37 (hg19) VCF-style: chr1-216108070-C-T.
Other names: short protein forms W2396*.
Identifiers: ClinVar variation 2779994 (VCV002779994.3), dbSNP rs2102499727, ClinGen allele CA344857715.